The following is an entry in ClinVar:

NM_001987.5(ETV6):c.1076G>A (p.Arg359Gln)

Genes: ETV6 (ETS variant transcription factor 6; plus strand), LOC126861452 (CDK7 strongly-dependent group 2 enhancer GRCh37_chr12:12037195-12038394; plus strand). Cytogenetic location: 12p13.2.
Variant type: single nucleotide variant.
Coding change: c.1076G>A on transcript NM_001987.5 (MANE Select); coding-DNA position 1076, G replaced by A.
Protein change: p.Arg359Gln; replaces arginine 359 with glutamine.
Molecular consequence: missense variant. On other transcripts: intron variant (1).
Genome position (GRCh38, 1-based): chr12:11,884,511, G>A. VCF-style: chr12-11884511-G-A. GRCh37 (hg19) VCF-style: chr12-12037445-G-A.
Other names: c.1073G>A, p.Arg358Gln (NM_001413913.1); c.1049G>A, p.Arg350Gln (NM_001413914.1); c.812G>A, p.Arg271Gln (NM_001413915.1); c.1010-6430G>A (NM_001413917.1); short protein forms R358Q, R359Q, R271Q, R350Q.
Identifiers: ClinVar variation 4020036 (VCV004020036.2).
Genomic context (GRCh38, chr12:11,884,511, plus strand): 5'-GACTGCTTTGGGATTACGTCTATCAGTTGCTTTCTGACAGCCGGTACGAAAACTTCATCC[G>A]ATGGGAGGACAAAGAATCCAAAATATTCCGGATAGTGGATCCCAACGGACTGGCTCGACT-3'
Protein context (NP_001978.1, residues 349-369): LSDSRYENFI[Arg359Gln]WEDKESKIFR

ClinVar aggregate classification (germline): Uncertain significance. Review status: criteria provided, multiple submitters, no conflicts (2 of 4 stars). 2 submissions from 2 submitters: Uncertain significance (2). Last evaluated 2025-12-16.

Conditions:
Inborn genetic diseases. Identifiers: MedGen C0950123, MeSH D030342.

gnomAD v4.1: 9 of 1,614,170 alleles (0.00056%); highest among the groups gnomAD compares: Non-Finnish European, 0.00068%; no homozygotes.

Submissions (2):

Labcorp Genetics (formerly Invitae), Labcorp
Classification: Uncertain significance. Last evaluated: 2025-12-16. Review status: criteria provided, single submitter. Criteria: Invitae Variant Classification Sherloc (09022015). Collection method: clinical testing. Allele origin: germline.
Comment: This sequence change replaces arginine, which is basic and polar, with glutamine, which is neutral and polar, at codon 359 of the ETV6 protein (p.Arg359Gln). This variant is not present in population databases (gnomAD no frequency). This variant has not been reported in the literature in individuals affected with ETV6-related conditions. ClinVar contains an entry for this variant (Variation ID: 4020036). Invitae Evidence Modeling of protein sequence and biophysical properties (such as structural, functional, and spatial information, amino acid conservation, physicochemical variation, residue mobility, and thermodynamic stability) indicates that this missense variant is expected to disrupt ETV6 protein function with a positive predictive value of 80%. In summary, the available evidence is currently insufficient to determine the role of this variant in disease. Therefore, it has been classified as a Variant of Uncertain Significance.

Ambry Genetics
Classification: Uncertain significance for Inborn genetic diseases. Last evaluated: 2025-04-02. Review status: criteria provided, single submitter. Criteria: Ambry Variant Classification Scheme 2023. Collection method: clinical testing. Allele origin: germline.
Comment: The p.R359Q variant (also known as c.1076G>A), located in coding exon 6 of the ETV6 gene, results from a G to A substitution at nucleotide position 1076. The arginine at codon 359 is replaced by glutamine, an amino acid with highly similar properties. This amino acid position is highly conserved in available vertebrate species. In addition, the in silico prediction for this alteration is inconclusive. Based on the available evidence, the clinical significance of this variant remains unclear.